The following is an entry in ClinVar:

NM_021067.5(GINS1):c.383T>A (p.Leu128Gln)

Gene: GINS1 (GINS complex subunit 1; plus strand). Cytogenetic location: 20p11.21.
Variant type: single nucleotide variant.
Coding change: c.383T>A on transcript NM_021067.5 (MANE Select); coding-DNA position 383, T replaced by A.
Protein change: p.Leu128Gln; replaces leucine 128 with glutamine.
Molecular consequence: missense variant. On other transcripts: non-coding transcript variant (1).
Genome position (GRCh38, 1-based): chr20:25,425,263, T>A. VCF-style: chr20-25425263-T-A. GRCh37 (hg19) VCF-style: chr20-25405899-T-A.
Other names: c.128T>A, p.Leu43Gln (NM_001410831.1); c.383T>A (NM_021067.3); short protein forms L128Q, L43Q.
Identifiers: ClinVar variation 2420796 (VCV002420796.7), dbSNP rs376943654, ClinGen allele CA9796541.

ClinVar aggregate classification (germline): Uncertain significance. Review status: criteria provided, multiple submitters, no conflicts (2 of 4 stars). 2 submissions from 2 submitters: Uncertain significance (2). Last evaluated 2024-01-23.

Allele frequency attached by ClinVar (database versions not stated): gnomAD exomes below 0.00001; ExAC 0.00001; gnomAD 0.00001; TOPMed 0.00002; ESP Exome Variant Server 0.00008.
gnomAD v4.1: 4 of 1,573,384 alleles (0.00025%); highest among the groups gnomAD compares: African/African-American, 0.0054%; no homozygotes.

Submissions (2):

Ambry Genetics
Classification: Uncertain significance. Last evaluated: 2024-01-23. Review status: criteria provided, single submitter. Criteria: Ambry Variant Classification Scheme 2023. Collection method: clinical testing. Allele origin: germline.

Labcorp Genetics (formerly Invitae), Labcorp
Classification: Uncertain significance. Last evaluated: 2022-06-24. Review status: criteria provided, single submitter. Criteria: Invitae Variant Classification Sherloc (09022015). Collection method: clinical testing. Allele origin: germline.
Comment: This variant is present in population databases (rs376943654, gnomAD 0.007%). In summary, the available evidence is currently insufficient to determine the role of this variant in disease. Therefore, it has been classified as a Variant of Uncertain Significance. Algorithms developed to predict the effect of missense changes on protein structure and function are either unavailable or do not agree on the potential impact of this missense change (SIFT: "Not Available"; PolyPhen-2: "Possibly Damaging"; Align-GVGD: "Not Available"). This variant has not been reported in the literature in individuals affected with GINS1-related conditions. This sequence change replaces leucine, which is neutral and non-polar, with glutamine, which is neutral and polar, at codon 128 of the GINS1 protein (p.Leu128Gln).